The following is an entry in ClinVar:

NM_005506.4(SCARB2):c.232G>A (p.Gly78Arg)

Gene: SCARB2 (scavenger receptor class B member 2; minus strand). Cytogenetic location: 4q21.1.
Variant type: single nucleotide variant.
Coding change: c.232G>A on transcript NM_005506.4 (MANE Select); coding-DNA position 232, G replaced by A.
Protein change: p.Gly78Arg; replaces glycine 78 with arginine.
Molecular consequence: missense variant.
Genome position (GRCh38, 1-based): chr4:76,195,750, C>T on the plus strand (G>A on the coding strand, the complement: SCARB2 is on the minus strand). VCF-style: chr4-76195750-C-T. GRCh37 (hg19) VCF-style: chr4-77116903-C-T.
Other names: c.232G>A, p.Gly78Arg (NM_001204255.2); c.232G>A (NM_005506.3); short protein forms G78R.
Identifiers: ClinVar variation 1992631 (VCV001992631.5), dbSNP rs1337309508, ClinGen allele CA357327515.

ClinVar aggregate classification (germline): Uncertain significance. Review status: criteria provided, multiple submitters, no conflicts (2 of 4 stars). 2 submissions from 2 submitters: Uncertain significance (2). Last evaluated 2025-11-13.

Conditions:
Inborn genetic diseases. Identifiers: MedGen C0950123, MeSH D030342.
Progressive myoclonic epilepsy. Also called: Familial progressive myoclonic epilepsy; Progressive myoclonus epilepsy; Myoclonus epilepsy; Myoclonic Epilepsies, Progressive. Identifiers: Orphanet 308, Orphanet 98261, MedGen C0751778, MONDO:0020074.

Allele frequency attached by ClinVar (database versions not stated): TOPMed below 0.00001; gnomAD 0.00001.
gnomAD v4.1: 1 of 1,613,976 alleles (0.000062%); highest among the groups gnomAD compares: Admixed American, 0.0017%; no homozygotes.

Submissions (2):

Ambry Genetics
Classification: Uncertain significance for Inborn genetic diseases. Last evaluated: 2025-11-13. Review status: criteria provided, single submitter. Criteria: Ambry Variant Classification Scheme 2023. Collection method: clinical testing. Allele origin: germline.

Labcorp Genetics (formerly Invitae), Labcorp
Classification: Uncertain significance for Progressive myoclonic epilepsy. Last evaluated: 2022-05-10. Review status: criteria provided, single submitter. Criteria: Invitae Variant Classification Sherloc (09022015). Collection method: clinical testing. Allele origin: germline.
Comment: In summary, the available evidence is currently insufficient to determine the role of this variant in disease. Therefore, it has been classified as a Variant of Uncertain Significance. Algorithms developed to predict the effect of missense changes on protein structure and function (SIFT, PolyPhen-2, Align-GVGD) all suggest that this variant is likely to be disruptive. This variant has not been reported in the literature in individuals affected with SCARB2-related conditions. This variant is present in population databases (no rsID available, gnomAD no frequency). This sequence change replaces glycine, which is neutral and non-polar, with arginine, which is basic and polar, at codon 78 of the SCARB2 protein (p.Gly78Arg).